The following is an entry in ClinVar:

ClinVar aggregate classification (germline): Uncertain significance. Review status: criteria provided, multiple submitters, no conflicts (2 of 4 stars). 2 submissions from 2 submitters: Uncertain significance (2). Last evaluated 2025-11-03.

Conditions:
BBS12-related disorder. Also called: BBS12-related condition.
Inborn genetic diseases. Identifiers: MedGen C0950123, MeSH D030342.

Allele frequency attached by ClinVar (database versions not stated): gnomAD exomes 0.00002.
gnomAD v4.1: 29 of 1,614,180 alleles (0.0018%); highest among the groups gnomAD compares: East Asian, 0.049%; no homozygotes.

Submissions (2):

Ambry Genetics
Classification: Uncertain significance for Inborn genetic diseases. Last evaluated: 2025-11-03. Review status: criteria provided, single submitter. Criteria: Ambry Variant Classification Scheme 2023. Collection method: clinical testing. Allele origin: germline.

PreventionGenetics, part of Exact Sciences
Classification: Uncertain significance for BBS12-related condition. Last evaluated: 2025-05-12. Review status: criteria provided, single submitter. Criteria: ACMG Guidelines, 2015. Collection method: clinical testing. Allele origin: germline.
Comment: The BBS12 c.1388A>G variant is predicted to result in the amino acid substitution p.Asp463Gly. To our knowledge, this variant has not been reported in the literature. This variant is reported in 0.038% of alleles in individuals of East Asian descent in gnomAD. At this time, the clinical significance of this variant is uncertain due to the absence of conclusive functional and genetic evidence.

NM_152618.3(BBS12):c.1388A>G (p.Asp463Gly)

Gene: BBS12 (Bardet-Biedl syndrome 12; plus strand). Cytogenetic location: 4q27.
Variant type: single nucleotide variant.
Coding change: c.1388A>G on transcript NM_152618.3 (MANE Select); coding-DNA position 1388, A replaced by G.
Protein change: p.Asp463Gly; replaces aspartic acid 463 with glycine.
Molecular consequence: missense variant.
Genome position (GRCh38, 1-based): chr4:122,743,280, A>G. VCF-style: chr4-122743280-A-G. GRCh37 (hg19) VCF-style: chr4-123664435-A-G.
Other names: c.1388A>G, p.Asp463Gly (NM_001178007.2); short protein forms D463G.
Identifiers: ClinVar variation 2634659 (VCV002634659.3), dbSNP rs762489376, ClinGen allele CA3069437.
Genomic context (GRCh38, chr4:122,743,280, plus strand): 5'-AGGCTTTTGCAGAGGCTGCAGGAGCAGTACAGGTGGCCTACATTACACAAGTGAATGAAG[A>G]TTGTGTGGGCGACGGGGTCTGCGTGACCTTCTGGAGAAGCAGCCCTTTGGATGTTGTAGA-3'
Protein context (NP_689831.2, residues 453-473): QVAYITQVNE[Asp463Gly]CVGDGVCVTF